The following is an entry in ClinVar:

ClinVar aggregate classification (germline): Uncertain significance (1 of 4 stars; one submission).

Conditions:
Thyroid dyshormonogenesis 6 (TDH6). Also called: HYPOTHYROIDISM, CONGENITAL, DUE TO DYSHORMONOGENESIS, 6; THYROID HORMONOGENESIS, GENETIC DEFECT IN, 6; Genetic transient congenital hypothyroidism. Identifiers: Orphanet 226316, Orphanet 95716, MedGen C1846632, MONDO:0011792, OMIM 607200.

gnomAD v4.1: 6 of 1,544,706 alleles (0.00039%); highest among the groups gnomAD compares: Non-Finnish European, 0.00043%; no homozygotes.

Submission:

Juno Genomics, Hangzhou Juno Genomics, Inc
Classification: Uncertain significance for Thyroid dyshormonogenesis 6. Review status: criteria provided, single submitter. Criteria: ACMG Guidelines, 2015. Collection method: clinical testing. Allele origin: germline.
Comment: Absent from controls (or at extremely low frequency if recessive) in Genome Aggregation Database.;Multiple lines of computational evidence support a deleterious effect on the gene or gene product.

NM_001363711.2(DUOX2):c.527C>T (p.Thr176Met)

Gene: DUOX2 (dual oxidase 2; minus strand). Cytogenetic location: 15q21.1.
Variant type: single nucleotide variant.
Coding change: c.527C>T on transcript NM_001363711.2 (MANE Select); coding-DNA position 527, C replaced by T.
Protein change: p.Thr176Met; replaces threonine 176 with methionine.
Molecular consequence: missense variant.
Genome position (GRCh38, 1-based): chr15:45,111,572, G>A on the plus strand (C>T on the coding strand, the complement: DUOX2 is on the minus strand). VCF-style: chr15-45111572-G-A. GRCh37 (hg19) VCF-style: chr15-45403770-G-A.
Other names: c.527C>T, p.Thr176Met (NM_014080.5); short protein forms T176M.
Identifiers: ClinVar variation 5018858 (VCV005018858.2).